The following is an entry in ClinVar:

NM_006231.4(POLE):c.2778G>C (p.Glu926Asp)

Gene: POLE (DNA polymerase epsilon, catalytic subunit; minus strand). Cytogenetic location: 12q24.33.
Variant type: single nucleotide variant.
Coding change: c.2778G>C on transcript NM_006231.4 (MANE Select); coding-DNA position 2778, G replaced by C.
Protein change: p.Glu926Asp; replaces glutamic acid 926 with aspartic acid.
Molecular consequence: missense variant.
Genome position (GRCh38, 1-based): chr12:132,661,613, C>G on the plus strand (G>C on the coding strand, the complement: POLE is on the minus strand). VCF-style: chr12-132661613-C-G. GRCh37 (hg19) VCF-style: chr12-133238199-C-G.
Other names: short protein forms E926D.
Identifiers: ClinVar variation 3225427 (VCV003225427.1), dbSNP rs2135948920, ClinGen allele CA387393834.

ClinVar aggregate classification (germline): Uncertain significance (1 of 4 stars; one submission).

Conditions:
Hereditary cancer-predisposing syndrome. Also called: Neoplastic Syndromes, Hereditary; Tumor predisposition; Hereditary neoplastic syndrome; Hereditary Cancer Syndrome. Identifiers: Orphanet 140162, MedGen C0027672, MeSH D009386, MONDO:0015356.

Submission:

Ambry Genetics
Classification: Uncertain significance for Hereditary cancer-predisposing syndrome. Last evaluated: 2023-12-23. Review status: criteria provided, single submitter. Criteria: Ambry Variant Classification Scheme 2023. Collection method: clinical testing. Allele origin: germline.
Comment: The p.E926D variant (also known as c.2778G>C), located in coding exon 24 of the POLE gene, results from a G to C substitution at nucleotide position 2778. The glutamic acid at codon 926 is replaced by aspartic acid, an amino acid with highly similar properties. This amino acid position is conserved. In addition, the in silico prediction for this alteration is inconclusive. Since supporting evidence is limited at this time, the clinical significance of this alteration remains unclear.